The following is an entry in ClinVar:

NM_000376.3(VDR):c.146+8C>T

Gene: VDR (vitamin D receptor; minus strand). Cytogenetic location: 12q13.11.
Variant type: single nucleotide variant.
Coding change: c.146+8C>T on transcript NM_000376.3 (MANE Select); 8 bases into the intron after coding-DNA position 146, C replaced by T.
Molecular consequence: intron variant.
Genome position (GRCh38, 1-based): chr12:47,878,960, G>A on the plus strand (C>T on the coding strand, the complement: VDR is on the minus strand). VCF-style: chr12-47878960-G-A. GRCh37 (hg19) VCF-style: chr12-48272743-G-A.
Other names: p.?; c.146+8C>T (NM_001374662.1, NM_001364085.2, NM_001017535.2 and 1 more transcripts); c.296+8C>T (NM_001017536.2).
Identifiers: ClinVar variation 308886 (VCV000308886.18), dbSNP rs10783218, ClinGen allele CA6534064.
Genomic context (GRCh38, chr12:47,878,960, plus strand): 5'-CCTTCATGGAAACACCTTGCTTCTTCTCCCTCCCTTTCCACTGGGGAGAGCCTGGGAGGA[G>A]GGCTCACCTGAAGAAGCCTTTGCAGCCTTCACAGGTCATAGCATTGAAGTGAAAGCCAGT-3'

ClinVar aggregate classification (germline): Benign. Review status: criteria provided, multiple submitters, no conflicts (2 of 4 stars). 7 submissions from 7 submitters: Benign (7). Last evaluated 2026-02-04.

Conditions:
Vitamin D-dependent rickets type II with alopecia (VDDR2A). Also called: Vitamin D-dependent rickets, type 2A; PDDR IIA; PSEUDOVITAMIN D-DEFICIENCY, TYPE IIA; RICKETS, HEREDITARY VITAMIN D-RESISTANT; RICKETS-ALOPECIA SYNDROME; VITAMIN D-DEPENDENT RICKETS, TYPE 2A, WITH OR WITHOUT ALOPECIA. Identifiers: Orphanet 93160, MedGen C0342646, MONDO:0010186, OMIM 277440.

Allele frequency attached by ClinVar (database versions not stated): gnomAD exomes 0.04193 and 0.04500; ExAC 0.04987; gnomAD 0.07487 and 0.07673; TOPMed 0.08014; ESP Exome Variant Server 0.08158; 1000 Genomes Project 0.09385; 1000 Genomes Project 30x 0.09478.
gnomAD v4.1: 72,993 of 1,614,062 alleles (4.5%); highest among the groups gnomAD compares: African/African-American, 18%; 2,494 homozygotes.

Submissions (7):

Labcorp Genetics (formerly Invitae), Labcorp
Classification: Benign. Last evaluated: 2026-02-04. Review status: criteria provided, single submitter. Criteria: Invitae Variant Classification Sherloc (09022015). Collection method: clinical testing. Allele origin: germline.

Women's Health and Genetics/Laboratory Corporation of America, LabCorp
Classification: Benign. Last evaluated: 2026-01-08. Review status: criteria provided, single submitter. Criteria: LabCorp Variant Classification Summary - May 2015. Collection method: clinical testing. Allele origin: germline.

Blueprint Genetics
Classification: Benign. Last evaluated: 2024-11-27. Review status: criteria provided, single submitter. Criteria: ACMG Guidelines, 2015. Collection method: clinical testing. Allele origin: germline.

Mayo Clinic Laboratories, Mayo Clinic
Classification: Benign. Last evaluated: 2022-03-09. Review status: criteria provided, single submitter. Criteria: ACMG Guidelines, 2015. Collection method: clinical testing. Allele origin: germline. Observed: 19 variant alleles.

GeneDx
Classification: Benign. Last evaluated: 2018-10-24. Review status: criteria provided, single submitter. Criteria: GeneDx Variant Classification Process June 2021. Collection method: clinical testing. Allele origin: germline. Affected: yes.

Illumina Laboratory Services, Illumina
Classification: Benign for Vitamin D-dependent rickets type II with alopecia. Last evaluated: 2018-01-12. Review status: criteria provided, single submitter. Criteria: ICSL Variant Classification Criteria 13 December 2019. Collection method: clinical testing. Allele origin: germline.
Comment: This variant was observed in the ICSL laboratory as part of a predisposition screen in an ostensibly healthy population. It had not been previously curated by ICSL or reported in the Human Gene Mutation Database (HGMD: prior to June 1st, 2018), and was therefore a candidate for classification through an automated scoring system. Utilizing variant allele frequency, disease prevalence and penetrance estimates, and inheritance mode, an automated score was calculated to assess if this variant is too frequent to cause the disease. Based on the score and internal cut-off values, a variant classified as benign is not then subjected to further curation. The score for this variant resulted in a classification of benign for this disease.

Breakthrough Genomics
Classification: Benign. Review status: criteria provided, single submitter. Criteria: ACMG Guidelines, 2015. Collection method: not provided. Allele origin: germline. Inheritance: Autosomal recessive inheritance. Affected: yes.